The following is an entry in ClinVar:

ClinVar aggregate classification (germline): Conflicting classifications of pathogenicity. Review status: criteria provided, conflicting classifications (1 of 4 stars). 3 submissions from 3 submitters: Uncertain significance (2); Likely benign (1). Last evaluated 2023-03-23.

Conditions:
Hereditary cancer-predisposing syndrome. Also called: Tumor predisposition; Neoplastic Syndromes, Hereditary; Hereditary neoplastic syndrome; Hereditary Cancer Syndrome. Identifiers: Orphanet 140162, MedGen C0027672, MeSH D009386, MONDO:0015356.
Hereditary breast ovarian cancer syndrome. Also called: Breast and ovarian cancer; BRCA1- and BRCA2-Associated Hereditary Breast and Ovarian Cancer; Hereditary breast and ovarian cancer syndrome (HBOC); Hereditary breast and ovarian cancer; Hereditary breast and/or ovarian cancer syndrome; Hereditary breast and ovarian cancer syndrome. Identifiers: Orphanet 145, MedGen C0677776, MeSH D061325, MONDO:0003582. Disease mechanism: loss of function.

gnomAD v4.1: 1 of 1,614,130 alleles (0.000062%); highest among the groups gnomAD compares: African/African-American, 0.0013%; no homozygotes.

Submissions (3):

University of Washington Department of Laboratory Medicine, University of Washington
Classification: Likely benign for Hereditary cancer-predisposing syndrome. Last evaluated: 2023-03-23. Review status: criteria provided, single submitter. Criteria: Dines et al. (Genet Med. 2020). Collection method: curation. Allele origin: germline.
Comment: Missense variant in a coldspot region where missense variants are very unlikely to be pathogenic (PMID:31911673).

BRCA1 coldspot (exon 11 using historical exon numbering). Reclassification based on statistical prior probability

Labcorp Genetics (formerly Invitae), Labcorp
Classification: Uncertain significance for Hereditary breast ovarian cancer syndrome. Last evaluated: 2018-09-06. Review status: criteria provided, single submitter. Criteria: Invitae Variant Classification Sherloc (09022015). Collection method: clinical testing. Allele origin: germline.
Comment: This variant is not present in population databases (ExAC no frequency). This sequence change replaces glutamic acid with aspartic acid at codon 1214 of the BRCA1 protein (p.Glu1214Asp). The glutamic acid residue is highly conserved and there is a small physicochemical difference between glutamic acid and aspartic acid. This variant has not been reported in the literature in individuals with BRCA1-related disease. ClinVar contains an entry for this variant (Variation ID: 487961). Algorithms developed to predict the effect of missense changes on protein structure and function output the following: SIFT: "Tolerated"; PolyPhen-2: "Probably Damaging"; Align-GVGD: "Class C0". The aspartic acid amino acid residue is found in multiple mammalian species, suggesting that this missense change does not adversely affect protein function. These predictions have not been confirmed by published functional studies and their clinical significance is uncertain. In summary, the available evidence is currently insufficient to determine the role of this variant in disease. Therefore, it has been classified as a Variant of Uncertain Significance.

Women's Health and Genetics/Laboratory Corporation of America, LabCorp
Classification: Uncertain significance. Last evaluated: 2016-05-04. Review status: criteria provided, single submitter. Criteria: LabCorp Variant Classification Summary - May 2015. Collection method: clinical testing. Allele origin: germline.
Comment: Variant summary: The BRCA1 c.3642G>C (p.Glu1214Asp) variant involves the alteration of a non-conserved nucleotide. 4/4 in-silico tools predict benign outcome (SNPs&GO not captured due to low reliability index). 4/5 splice-tools in Alamut predict no significant effect on splicing. ESE finder predicts that this variant may create a novel ESE site of SRp40. However, these predictions have yet to be confirmed by functional studies. This variant is absent in 121240 control chromosomes. Another variant BRCA1 c.3642G>T, which results in same amino acid change (p.Glu1214Asp), was classified as VUS in ClinVar. The variant of interest has not, to our knowledge, been reported in affected individuals via publications and/or reputable databases/clinical laboratories; nor evaluated for functional impact by in vivo/vitro studies. Because of the absence of clinical information and the lack of functional studies, the variant was classified as a variant of uncertain significance (VUS) until additional information becomes available.

NM_007294.4(BRCA1):c.3642G>C (p.Glu1214Asp)

Genes: BRCA1 (BRCA1 DNA repair associated; minus strand), LOC126862571 (BRD4-independent group 4 enhancer GRCh37_chr17:41243136-41244335; plus strand). Cytogenetic location: 17q21.31.
Variant type: single nucleotide variant.
Coding change: c.3642G>C on transcript NM_007294.4 (MANE Select); coding-DNA position 3642, G replaced by C.
Protein change: p.Glu1214Asp; replaces glutamic acid 1214 with aspartic acid.
Molecular consequence: missense variant. On other transcripts: intron variant (135).
Genome position (GRCh38, 1-based): chr17:43,091,889, C>G on the plus strand (G>C on the coding strand, the complement: BRCA1 is on the minus strand). VCF-style: chr17-43091889-C-G. GRCh37 (hg19) VCF-style: chr17-41243906-C-G.
Other names: c.3429G>C, p.Glu1143Asp (NM_001407571.1, NM_001407853.1, NM_001407894.1 and 9 more transcripts); c.3642G>C, p.Glu1214Asp (NM_001407581.1, NM_001407582.1, NM_001407583.1 and 30 more transcripts); c.3639G>C, p.Glu1213Asp (NM_001407587.1, NM_001407590.1, NM_001407591.1 and 22 more transcripts); c.3633G>C, p.Glu1211Asp (NM_001407646.1, NM_001407647.1); c.3519G>C, p.Glu1173Asp (NM_001407648.1, NM_001407664.1, NM_001407665.1 and 19 more transcripts); c.3516G>C, p.Glu1172Asp (NM_001407649.1, NM_001407670.1, NM_001407671.1 and 11 more transcripts); c.3564G>C, p.Glu1188Asp (NM_001407653.1, NM_001407654.1, NM_001407655.1 and 4 more transcripts); c.3561G>C, p.Glu1187Asp (NM_001407659.1, NM_001407660.1, NM_001407661.1 and 1 more transcripts); and 41 more; short protein forms E1214D, E1167D, E1125D, E1143D, E1147D, E1166D, E1187D, E1086D.
Identifiers: ClinVar variation 496369 (VCV000496369.13), dbSNP rs398122675, ClinGen allele CA10594684.